The following is an entry in ClinVar:

ClinVar aggregate classification (germline): Uncertain significance (1 of 4 stars; one submission).

gnomAD v4.1: 2 of 1,601,334 alleles (0.00012%); highest among the groups gnomAD compares: South Asian, 0.0011%; no homozygotes.

Submission:

GeneDx
Classification: Uncertain significance. Last evaluated: 2024-06-12. Review status: criteria provided, single submitter. Criteria: GeneDx Variant Classification Process June 2021. Collection method: clinical testing. Allele origin: germline. Affected: yes.
Comment: Not observed at significant frequency in large population cohorts (gnomAD); In silico analysis supports that this missense variant has a deleterious effect on protein structure/function; Has not been previously published as pathogenic or benign to our knowledge

NM_002742.3(PRKD1):c.437C>T (p.Pro146Leu)

Gene: PRKD1 (protein kinase D1; minus strand). Cytogenetic location: 14q12.
Variant type: single nucleotide variant.
Coding change: c.437C>T on transcript NM_002742.3 (MANE Select); coding-DNA position 437, C replaced by T.
Protein change: p.Pro146Leu; replaces proline 146 with leucine.
Molecular consequence: missense variant.
Genome position (GRCh38, 1-based): chr14:29,666,175, G>A on the plus strand (C>T on the coding strand, the complement: PRKD1 is on the minus strand). VCF-style: chr14-29666175-G-A. GRCh37 (hg19) VCF-style: chr14-30135381-G-A.
Other names: c.437C>T, p.Pro146Leu (NM_001330069.2); c.149C>T, p.Pro50Leu (NM_001348390.1); short protein forms P146L, P50L.
Identifiers: ClinVar variation 3390483 (VCV003390483.1).